The following is an entry in ClinVar:

NM_006371.5(CRTAP):c.643C>T (p.Arg215Trp)

Gene: CRTAP (cartilage associated protein; plus strand). Cytogenetic location: 3p22.3.
Variant type: single nucleotide variant.
Coding change: c.643C>T on transcript NM_006371.5 (MANE Select); coding-DNA position 643, C replaced by T.
Protein change: p.Arg215Trp; replaces arginine 215 with tryptophan.
Molecular consequence: missense variant.
Genome position (GRCh38, 1-based): chr3:33,124,429, C>T. VCF-style: chr3-33124429-C-T. GRCh37 (hg19) VCF-style: chr3-33165921-C-T.
Other names: c.643C>T, p.Arg215Trp (NM_001393363.1, NM_001393364.1); c.493C>T, p.Arg165Trp (NM_001393365.1); short protein forms R215W, R165W.
Identifiers: ClinVar variation 649807 (VCV000649807.7), dbSNP rs149281572, ClinGen allele CA2300349.

ClinVar aggregate classification (germline): Uncertain significance (1 of 4 stars; one submission).

Conditions:
Osteogenesis imperfecta type 7 (OI7). Also called: OSTEOGENESIS IMPERFECTA, TYPE IIB; Osteogenesis imperfecta type 2B; OI type 2B; Osteogenesis imperfecta, perinatal lethal autosomal recessive; OI type IIB; OI type 7. Identifiers: MedGen C1853162, MONDO:0012536, OMIM 610682.

Allele frequency attached by ClinVar (database versions not stated): gnomAD exomes below 0.00001 and 0.00003; ExAC 0.00001; gnomAD 0.00001; TOPMed 0.00003; ESP Exome Variant Server 0.00008.

Submission:

Labcorp Genetics (formerly Invitae), Labcorp
Classification: Uncertain significance for Osteogenesis imperfecta type 7. Last evaluated: 2024-12-19. Review status: criteria provided, single submitter. Criteria: Invitae Variant Classification Sherloc (09022015). Collection method: clinical testing. Allele origin: germline.
Comment: This sequence change replaces arginine, which is basic and polar, with tryptophan, which is neutral and slightly polar, at codon 215 of the CRTAP protein (p.Arg215Trp). This variant is present in population databases (rs149281572, gnomAD 0.002%). This variant has not been reported in the literature in individuals affected with CRTAP-related conditions. ClinVar contains an entry for this variant (Variation ID: 649807). Invitae Evidence Modeling of protein sequence and biophysical properties (such as structural, functional, and spatial information, amino acid conservation, physicochemical variation, residue mobility, and thermodynamic stability) indicates that this missense variant is expected to disrupt CRTAP protein function with a positive predictive value of 80%. In summary, the available evidence is currently insufficient to determine the role of this variant in disease. Therefore, it has been classified as a Variant of Uncertain Significance.